The following is an entry in ClinVar:

ClinVar aggregate classification (germline): Likely benign (1 of 4 stars; one submission).

Conditions:
Malignant hyperthermia, susceptibility to, 5 (MHS5). Also called: CACNA1S-Related Malignant Hyperthermia Susceptibility. Identifiers: Orphanet 423, MedGen C1866077, MONDO:0011163, OMIM 601887.

Submission:

All of Us Research Program, National Institutes of Health
Classification: Likely benign for Malignant hyperthermia, susceptibility to, 5. Last evaluated: 2023-11-02. Review status: criteria provided, single submitter. Criteria: ACMG Guidelines, 2015. Collection method: clinical testing. Allele origin: germline. Inheritance: Autosomal dominant inheritance. Observed: 2 variant alleles, 2 heterozygotes.
Comment: This study involves interpretation of variants in research participants for the purpose of population health screening. Participant phenotype was not available at the time of variant classification. Additional details can be found in publication PMID: 35346344, PMCID: PMC8962531

NM_000069.3(CACNA1S):c.1869G>A (p.Gly623=)

Gene: CACNA1S (calcium voltage-gated channel subunit alpha1 S; minus strand). Cytogenetic location: 1q32.1.
Variant type: single nucleotide variant.
Coding change: c.1869G>A on transcript NM_000069.3 (MANE Select); coding-DNA position 1869, G replaced by A.
Protein change: p.Gly623=; no amino-acid change (glycine 623 retained).
Molecular consequence: synonymous variant.
Genome position (GRCh38, 1-based): chr1:201,075,574, C>T on the plus strand (G>A on the coding strand, the complement: CACNA1S is on the minus strand). VCF-style: chr1-201075574-C-T. GRCh37 (hg19) VCF-style: chr1-201044702-C-T.
Identifiers: ClinVar variation 3072603 (VCV003072603.1), dbSNP rs1279664077, ClinGen allele CA422689061.